The following is an entry in ClinVar:

NM_004519.4(KCNQ3):c.1538C>T (p.Pro513Leu)

Gene: KCNQ3 (potassium voltage-gated channel subfamily Q member 3; minus strand). Cytogenetic location: 8q24.22.
Variant type: single nucleotide variant.
Coding change: c.1538C>T on transcript NM_004519.4 (MANE Select); coding-DNA position 1538, C replaced by T.
Protein change: p.Pro513Leu; replaces proline 513 with leucine.
Molecular consequence: missense variant.
Genome position (GRCh38, 1-based): chr8:132,140,106, G>A on the plus strand (C>T on the coding strand, the complement: KCNQ3 is on the minus strand). VCF-style: chr8-132140106-G-A. GRCh37 (hg19) VCF-style: chr8-133152353-G-A.
Other names: p.P513L:CCC>CTC; c.1178C>T, p.Pro393Leu (NM_001204824.2); c.1538C>T (NM_004519.3); short protein forms P513L, P393L.
Identifiers: ClinVar variation 205973 (VCV000205973.11), dbSNP rs768520561, ClinGen allele CA315613.

ClinVar aggregate classification (germline): Uncertain significance. Review status: criteria provided, multiple submitters, no conflicts (2 of 4 stars). 2 submissions from 2 submitters: Uncertain significance (2). Last evaluated 2024-12-12.

Conditions:
Benign neonatal seizures. Also called: Benign neonatal familial convulsions; Benign familial neonatal epilepsy; Benign familial neonatal seizures; Convulsions benign familial neonatal dominant form; Autosomal dominant form of benign neonatal seizures. Identifiers: Orphanet 1949, MedGen C0220669, MONDO:0016027.

Allele frequency attached by ClinVar (database versions not stated): gnomAD 0.00001; gnomAD exomes 0.00001; TOPMed 0.00001; ExAC 0.00002.
gnomAD v4.1: 3 of 1,608,858 alleles (0.00019%); highest among the groups gnomAD compares: Non-Finnish European, 0.00025%; no homozygotes.

Submissions (2):

GeneDx
Classification: Uncertain significance. Last evaluated: 2024-12-12. Review status: criteria provided, single submitter. Criteria: GeneDx Variant Classification Process June 2021. Collection method: clinical testing. Allele origin: germline. Affected: yes.
Comment: Not observed at significant frequency in large population cohorts (gnomAD); In silico analysis supports that this missense variant has a deleterious effect on protein structure/function; Has not been previously published as pathogenic or benign to our knowledge

Labcorp Genetics (formerly Invitae), Labcorp
Classification: Uncertain significance for Benign neonatal seizures. Last evaluated: 2024-02-14. Review status: criteria provided, single submitter. Criteria: Invitae Variant Classification Sherloc (09022015). Collection method: clinical testing. Allele origin: germline.
Comment: This sequence change replaces proline, which is neutral and non-polar, with leucine, which is neutral and non-polar, at codon 513 of the KCNQ3 protein (p.Pro513Leu). This variant is present in population databases (rs768520561, gnomAD 0.002%). This variant has not been reported in the literature in individuals affected with KCNQ3-related conditions. ClinVar contains an entry for this variant (Variation ID: 205973). Advanced modeling of protein sequence and biophysical properties (such as structural, functional, and spatial information, amino acid conservation, physicochemical variation, residue mobility, and thermodynamic stability) has been performed at Invitae for this missense variant, however the output from this modeling did not meet the statistical confidence thresholds required to predict the impact of this variant on KCNQ3 protein function. In summary, the available evidence is currently insufficient to determine the role of this variant in disease. Therefore, it has been classified as a Variant of Uncertain Significance.